The following is an entry in ClinVar:

NM_000535.7(PMS2):c.288C>A (p.Ala96=)

Gene: PMS2 (PMS1 homolog 2, mismatch repair system component; minus strand). Cytogenetic location: 7p22.1.
Variant type: single nucleotide variant.
Coding change: c.288C>A on transcript NM_000535.7 (MANE Select); coding-DNA position 288, C replaced by A.
Protein change: p.Ala96=; no amino-acid change (alanine 96 retained).
Molecular consequence: synonymous variant. On other transcripts: 5 prime UTR variant (9), non-coding transcript variant (1), intron variant (2).
Genome position (GRCh38, 1-based): chr7:6,003,755, G>T on the plus strand (C>A on the coding strand, the complement: PMS2 is on the minus strand). VCF-style: chr7-6003755-G-T. GRCh37 (hg19) VCF-style: chr7-6043386-G-T.
Other names: c.-118C>A (NM_001322003.2, NM_001322004.2, NM_001322005.2 and 3 more transcripts); c.288C>A, p.Ala96= (NM_001322006.2, NM_001322014.2); c.-597C>A (NM_001322011.2, NM_001322012.2); c.-197C>A (NM_001322015.2); c.35+217C>A (NM_001322008.2, NM_001322007.2).
Identifiers: ClinVar variation 3903475 (VCV003903475.1), dbSNP rs12532895.
Genomic context (GRCh38, chr7:6,003,755, plus strand): 5'-TGCACAAAGTGAGCTCAGAGCTTCCCCCCGAAAGCCAAAAGTTTCAACCTGAGTTAGGTC[G>T]GCAAACTCTTGAATCTTAGATGTGTGATGTTTCAGAGCTGAAAGAGAGTGTAAAGTAAGG-3'
Protein context (NP_000526.2, residues 86-106): KHHTSKIQEF[Ala96=]DLTQVETFGF

ClinVar aggregate classification (germline): Benign (1 of 4 stars; one submission).

Conditions:
Lynch syndrome 4 (LYNCH4). Also called: Colorectal cancer, hereditary nonpolyposis, type 4; Hereditary non-polyposis colorectal cancer, type 4. Identifiers: Orphanet 144, MedGen C1838333, MONDO:0013699, OMIM 614337. Disease mechanism: loss of function.

Submission:

Myriad Genetics, Inc.
Classification: Benign for Lynch syndrome 4. Last evaluated: 2025-01-24. Review status: criteria provided, single submitter. Criteria: Myriad Autosomal Dominant, Autosomal Recessive and X-Linked Classification Criteria (2023). Collection method: clinical testing. Allele origin: unknown.
Comment: This variant is considered benign. This variant is a silent/synonymous amino acid change and it is not expected to impact splicing.